The following is an entry in ClinVar:

NM_000237.3(LPL):c.*1848C>A

Gene: LPL (lipoprotein lipase; plus strand). Cytogenetic location: 8p21.3.
Variant type: single nucleotide variant.
Coding change: c.*1848C>A on transcript NM_000237.3 (MANE Select); 1848 bases downstream of the stop codon, C replaced by A.
Molecular consequence: 3 prime UTR variant.
Genome position (GRCh38, 1-based): chr8:19,967,158, C>A. VCF-style: chr8-19967158-C-A. GRCh37 (hg19) VCF-style: chr8-19824669-C-A.
Identifiers: ClinVar variation 362453 (VCV000362453.8), dbSNP rs3866471, ClinGen allele CA10630610.

ClinVar aggregate classification (germline): Benign. Review status: criteria provided, multiple submitters, no conflicts (2 of 4 stars). 3 submissions from 3 submitters: Benign (3). Last evaluated 2018-08-30.

Conditions:
Hyperlipoproteinemia, type I. Also called: Lipoprotein Lipase Deficiency; Lipase D deficiency; Familial hyperlipo-proteinemia type 1; Hyperlipemia essential familial; Familial Lipoprotein Lipase Deficiency; Hyperlipoproteinemia type 1. Identifiers: Orphanet 309015, Orphanet 444490, MedGen C0023817, MONDO:0009387, OMIM 238600. Disease mechanism: loss of function.

Allele frequency attached by ClinVar (database versions not stated): gnomAD exomes 0.18140; TOPMed 0.17835; 1000 Genomes Project 0.16154; 1000 Genomes Project 30x 0.16661.
gnomAD v4.1: 26,669 of 152,492 alleles (17%); highest among the groups gnomAD compares: African/African-American, 22%; 2,405 homozygotes.

Submissions (3):

GeneDx
Classification: Benign. Last evaluated: 2018-08-30. Review status: criteria provided, single submitter. Criteria: GeneDx Variant Classification Process June 2021. Collection method: clinical testing. Allele origin: germline. Affected: yes.

Illumina Laboratory Services, Illumina
Classification: Benign for Hyperlipoproteinemia, type I. Last evaluated: 2018-01-13. Review status: criteria provided, single submitter. Criteria: ICSL Variant Classification Criteria 13 December 2019. Collection method: clinical testing. Allele origin: germline.
Comment: This variant was observed in the ICSL laboratory as part of a predisposition screen in an ostensibly healthy population. It had not been previously curated by ICSL or reported in the Human Gene Mutation Database (HGMD: prior to June 1st, 2018), and was therefore a candidate for classification through an automated scoring system. Utilizing variant allele frequency, disease prevalence and penetrance estimates, and inheritance mode, an automated score was calculated to assess if this variant is too frequent to cause the disease. Based on the score and internal cut-off values, a variant classified as benign is not then subjected to further curation. The score for this variant resulted in a classification of benign for this disease.

Breakthrough Genomics
Classification: Benign. Review status: criteria provided, single submitter. Criteria: ACMG Guidelines, 2015. Collection method: not provided. Allele origin: germline. Inheritance: Autosomal recessive inheritance. Affected: yes.